The following is an entry in ClinVar:

NM_000089.4(COL1A2):c.2835+3C>G

Gene: COL1A2 (collagen type I alpha 2 chain; plus strand). Cytogenetic location: 7q21.3.
Variant type: single nucleotide variant.
Coding change: c.2835+3C>G on transcript NM_000089.4 (MANE Select); 3 bases into the intron after coding-DNA position 2835, C replaced by G.
Molecular consequence: intron variant.
Genome position (GRCh38, 1-based): chr7:94,425,666, C>G. VCF-style: chr7-94425666-C-G. GRCh37 (hg19) VCF-style: chr7-94054978-C-G.
Identifiers: ClinVar variation 1796631 (VCV001796631.2), dbSNP rs1225629524, ClinGen allele CA2580077921.

ClinVar aggregate classification (germline): Uncertain significance (1 of 4 stars; one submission).

Conditions:
Cardiovascular phenotype. Identifiers: MedGen CN230736.

Submission:

Ambry Genetics
Classification: Uncertain significance for Cardiovascular phenotype. Last evaluated: 2022-03-23. Review status: criteria provided, single submitter. Criteria: Ambry Variant Classification Scheme 2023. Collection method: clinical testing. Allele origin: germline.
Comment: The c.2835+3C>G intronic variant results from a C to G substitution 3 nucleotides after coding exon 43 in the COL1A2 gene. This nucleotide position is not well conserved in available vertebrate species. In silico splice site analysis predicts that this alteration will not have any significant effect on splicing. Since supporting evidence is limited at this time, the clinical significance of this alteration remains unclear.